The following is an entry in ClinVar:

NM_001376.5(DYNC1H1):c.6910G>A (p.Asp2304Asn)

Gene: DYNC1H1 (dynein cytoplasmic 1 heavy chain 1; plus strand). Cytogenetic location: 14q32.31.
Variant type: single nucleotide variant.
Coding change: c.6910G>A on transcript NM_001376.5 (MANE Select); coding-DNA position 6910, G replaced by A.
Protein change: p.Asp2304Asn; replaces aspartic acid 2304 with asparagine.
Molecular consequence: missense variant.
Genome position (GRCh38, 1-based): chr14:102,012,366, G>A. VCF-style: chr14-102012366-G-A. GRCh37 (hg19) VCF-style: chr14-102478703-G-A.
Other names: short protein forms D2304N.
Identifiers: ClinVar variation 2696910 (VCV002696910.4), dbSNP rs1435144120, ClinGen allele CA391058706.

ClinVar aggregate classification (germline): Uncertain significance. Review status: criteria provided, multiple submitters, no conflicts (2 of 4 stars). 2 submissions from 2 submitters: Uncertain significance (2). Last evaluated 2025-03-01.

Conditions:
Charcot-Marie-Tooth disease axonal type 2O. Also called: CHARCOT-MARIE-TOOTH NEUROPATHY, AXONAL, TYPE 2O; CHARCOT-MARIE-TOOTH DISEASE, AXONAL, AUTOSOMAL DOMINANT, TYPE 2O; Charcot-Marie-Tooth Neuropathy Type 2O; Charcot-Marie-Tooth disease, axonal, type 20. Identifiers: Orphanet 284232, MedGen C3280220, MONDO:0013644, OMIM 614228.
Autosomal dominant childhood-onset proximal spinal muscular atrophy without contractures. Also called: KUGELBERG-WELANDER SYNDROME, AUTOSOMAL DOMINANT; SPINAL MUSCULAR ATROPHY, JUVENILE, PROXIMAL, AUTOSOMAL DOMINANT; Spinal muscular atrophy, lower extremity-predominant 1, AD; SPINAL MUSCULAR ATROPHY, CHILDHOOD, PROXIMAL, AUTOSOMAL DOMINANT. Identifiers: Orphanet 209341, Orphanet 363447, MedGen C5780022, MONDO:0008026, OMIM 158600.
Cortical dysplasia, complex, with other brain malformations 13. Also called: Intellectual disability, autosomal dominant 13. Identifiers: MedGen C3281202, MONDO:0013805, OMIM 614563.

Allele frequency attached by ClinVar (database versions not stated): gnomAD exomes below 0.00001; gnomAD 0.00001; TOPMed 0.00001.
gnomAD v4.1: 5 of 1,614,108 alleles (0.00031%); highest among the groups gnomAD compares: Non-Finnish European, 0.00042%; no homozygotes.

Submissions (2):

Labcorp Genetics (formerly Invitae), Labcorp
Classification: Uncertain significance for Charcot-Marie-Tooth disease axonal type 2O. Last evaluated: 2025-03-01. Review status: criteria provided, single submitter. Criteria: Invitae Variant Classification Sherloc (09022015). Collection method: clinical testing. Allele origin: germline.
Comment: This sequence change replaces aspartic acid, which is acidic and polar, with asparagine, which is neutral and polar, at codon 2304 of the DYNC1H1 protein (p.Asp2304Asn). This variant is present in population databases (no rsID available, gnomAD 0.007%). This variant has not been reported in the literature in individuals affected with DYNC1H1-related conditions. ClinVar contains an entry for this variant (Variation ID: 2696910). Invitae Evidence Modeling of protein sequence and biophysical properties (such as structural, functional, and spatial information, amino acid conservation, physicochemical variation, residue mobility, and thermodynamic stability) indicates that this missense variant is expected to disrupt DYNC1H1 protein function with a positive predictive value of 95%. In summary, the available evidence is currently insufficient to determine the role of this variant in disease. Therefore, it has been classified as a Variant of Uncertain Significance.

Kariminejad - Najmabadi Pathology & Genetics Center
Classification: Uncertain significance for Charcot-Marie-Tooth disease axonal type 2O; Cortical dysplasia, complex, with other brain malformations 13; Autosomal dominant childhood-onset proximal spinal muscular atrophy without contractures. Last evaluated: 2022-06-18. Review status: criteria provided, single submitter. Criteria: ACMG Guidelines, 2015. Collection method: clinical testing. Allele origin: germline. Inheritance: Autosomal dominant inheritance. Affected: yes.
Comment: PM2, PP2, PP3